The following is an entry in ClinVar:

NM_001330063.2(ANKFY1):c.777A>G (p.Ala259=)

Gene: ANKFY1 (ankyrin repeat and FYVE domain containing 1; minus strand). Cytogenetic location: 17p13.2.
Variant type: single nucleotide variant.
Coding change: c.777A>G on transcript NM_001330063.2 (MANE Select); coding-DNA position 777, A replaced by G.
Protein change: p.Ala259=; no amino-acid change (alanine 259 retained).
Molecular consequence: synonymous variant. On other transcripts: non-coding transcript variant (1).
Genome position (GRCh38, 1-based): chr17:4,206,442, T>C on the plus strand (A>G on the coding strand, the complement: ANKFY1 is on the minus strand). VCF-style: chr17-4206442-T-C. GRCh37 (hg19) VCF-style: chr17-4109737-T-C.
Other names: c.903A>G, p.Ala301= (NM_001257999.3); c.777A>G, p.Ala259= (NM_016376.5).
Identifiers: ClinVar variation 4980712 (VCV004980712.1).

ClinVar aggregate classification (germline): Likely benign (1 of 4 stars; one submission).

Conditions:
ANKFY1-related disorder. Also called: ANKFY1-related condition.

gnomAD v4.1: 472 of 1,614,186 alleles (0.029%); highest among the groups gnomAD compares: South Asian, 0.43%; 6 homozygotes.

Submission:

PreventionGenetics, part of Exact Sciences
Classification: Likely benign for ANKFY1-related condition. Last evaluated: 2025-07-14. Review status: criteria provided, single submitter. Criteria: ACMG Guidelines, 2015. Collection method: clinical testing. Allele origin: germline.
Comment: This variant is classified as likely benign based on ACMG/AMP sequence variant interpretation guidelines (Richards et al. 2015 PMID: 25741868, with internal and published modifications).